The following continues an entry in ClinVar:

NM_007294.4(BRCA1):c.69_79delGTGTCCCATCT (p.Cys24fs)

Gene: BRCA1. ClinVar aggregate classification (germline): Pathogenic. Pathogenic (1).

Submissions 10 to 15 of 15:

Women's Health and Genetics/Laboratory Corporation of America, LabCorp
Classification: Pathogenic for Hereditary breast ovarian cancer syndrome. Last evaluated: 2022-04-14. Review status: criteria provided, single submitter. Criteria: LabCorp Variant Classification Summary - May 2015. Collection method: clinical testing. Allele origin: germline. Not counted in ClinVar's aggregate classification.
Comment: Variant summary: BRCA1 c.70_80del11 (p.Cys24SerfsX13) results in a premature termination codon, predicted to cause a truncation of the encoded protein or absence of the protein due to nonsense mediated decay, which are commonly known mechanisms for disease. Truncations downstream of this position have been classified as pathogenic by our laboratory. The variant was absent in 251038 control chromosomes.The variant, c.70_80del11, has been reported in the literature in multiple individuals affected with breast and/or ovarian cancer (eg. Berman_1996, Hopper_1999, Alsop_2012, Dean_2015, Wong-Brown_2015). These data indicate that the variant is very likely to be associated with disease. To our knowledge, no experimental evidence demonstrating an impact on protein function has been reported. Nine ClinVar submissions including one expert panel (ENIGMA) have submitted clinical-significance assessments for this variant to ClinVar after 2014 without evidence for independent evaluation. All submitters classified the variant as pathogenic. Based on the evidence outlined above, the variant was classified as pathogenic.

Genetic Services Laboratory, University of Chicago
Classification: Pathogenic. Last evaluated: 2022-01-21. Review status: criteria provided, single submitter. Criteria: ACMG Guidelines, 2015. Collection method: clinical testing. Allele origin: germline. Affected: yes. Not counted in ClinVar's aggregate classification.
Comment: DNA sequence analysis of the BRCA1 gene demonstrated a 11 base pair deletion in exon 2, c.70_80del. This pathogenic sequence change results in an amino acid frameshift and creates a premature stop codon 12 amino acids downstream of the change, p.Cys24Serfs*13. This pathogenic sequence change is predicted to result in an abnormal transcript, which may be degraded, or may lead to the production of a truncated BRCA1 protein with potentially abnormal function. The c.70_80del sequence change has not been described in the population databases such as ExAC and gnomAD (dbSNP rs1220450191). This pathogenic sequence change has previously been described in an individual with breast cancer and ovarian cancer (PMID: 7837387, 10498392, 25682074, 22711857, 26543556).

Consortium of Investigators of Modifiers of BRCA1/2 (CIMBA), c/o University of Cambridge
Classification: Pathogenic for Breast-ovarian cancer, familial, susceptibility to, 1. Last evaluated: 2015-10-02. Review status: criteria provided, single submitter. Criteria: CIMBA Mutation Classification guidelines May 2016. Collection method: clinical testing. Allele origin: germline. Not counted in ClinVar's aggregate classification.

Counsyl
Classification: Pathogenic for Breast-ovarian cancer, familial, susceptibility to, 1. Last evaluated: 2017-03-28. Review status: no assertion criteria provided. Collection method: clinical testing. Allele origin: unknown. Not counted in ClinVar's aggregate classification.

Research Molecular Genetics Laboratory, Women's College Hospital, University of Toronto
Classification: Pathogenic for Hereditary breast ovarian cancer syndrome. Last evaluated: 2014-01-31. Review status: no assertion criteria provided. Collection method: research. Allele origin: germline. Affected: yes. Study: The Canadian Open Genetics Repository (COGR). Not counted in ClinVar's aggregate classification.

Breast Cancer Information Core (BIC) (BRCA1)
Classification: Pathogenic for Breast-ovarian cancer, familial 1. Last evaluated: 2004-02-20. Review status: no assertion criteria provided. Collection method: clinical testing. Allele origin: germline. Affected: yes. Observed: 17 variant alleles. Not counted in ClinVar's aggregate classification.

Literature cited by the submitters: PubMed 20104584 (cited by Labcorp Genetics (formerly Invitae), Labcorp); PubMed 2246425 (cited by Labcorp Genetics (formerly Invitae), Labcorp); PubMed 7837387 (cited by 4 submitters); PubMed 10498392 (cited by 5 submitters); PubMed 22711857 (cited by 5 submitters); PubMed 25682074 (cited by 5 submitters); PubMed 26543556 (cited by 5 submitters); PubMed 11896095 (cited by Ambry Genetics); PubMed 18779604 (cited by 3 submitters); PubMed 8651293 (cited by 5 submitters); PubMed 9042909 (cited by Ambry Genetics); PubMed 28767289 (cited by 4 submitters); PubMed 29446198 (cited by 3 submitters); PubMed 31090900 (cited by Quest Diagnostics Nichols Institute San Juan Capistrano); PubMed 7545954 (cited by Counsyl).